The following is an entry in ClinVar:

ClinVar aggregate classification (germline): Uncertain significance (1 of 4 stars; one submission).

Submission:

Labcorp Genetics (formerly Invitae), Labcorp
Classification: Uncertain significance. Last evaluated: 2022-11-08. Review status: criteria provided, single submitter. Criteria: Invitae Variant Classification Sherloc (09022015). Collection method: clinical testing. Allele origin: germline.
Comment: This sequence change replaces asparagine, which is neutral and polar, with serine, which is neutral and polar, at codon 1988 of the KAT6A protein (p.Asn1988Ser). This variant is not present in population databases (gnomAD no frequency). In summary, the available evidence is currently insufficient to determine the role of this variant in disease. Therefore, it has been classified as a Variant of Uncertain Significance. Algorithms developed to predict the effect of missense changes on protein structure and function are either unavailable or do not agree on the potential impact of this missense change (SIFT: "Tolerated"; PolyPhen-2: "Not Available"; Align-GVGD: "Class C0"). ClinVar contains an entry for this variant (Variation ID: 1507773). This variant has not been reported in the literature in individuals affected with KAT6A-related conditions.

NM_006766.5(KAT6A):c.5963A>G (p.Asn1988Ser)

Gene: KAT6A (lysine acetyltransferase 6A; minus strand). Cytogenetic location: 8p11.21.
Variant type: single nucleotide variant.
Coding change: c.5963A>G on transcript NM_006766.5 (MANE Select); coding-DNA position 5963, A replaced by G.
Protein change: p.Asn1988Ser; replaces asparagine 1988 with serine.
Molecular consequence: missense variant.
Genome position (GRCh38, 1-based): chr8:41,932,257, T>C on the plus strand (A>G on the coding strand, the complement: KAT6A is on the minus strand). VCF-style: chr8-41932257-T-C. GRCh37 (hg19) VCF-style: chr8-41789775-T-C.
Other names: short protein forms N1988S.
Identifiers: ClinVar variation 1507773 (VCV001507773.8), dbSNP rs2150854436, ClinGen allele CA371059920.